The following is an entry in ClinVar:

ClinVar aggregate classification (germline): Pathogenic (0 of 4 stars; one submission).

Conditions:
Choanal atresia-hearing loss-cardiac defects-craniofacial dysmorphism syndrome (BMKS). Also called: OCULOOTOFACIAL DYSPLASIA; Branchio oculo facial syndrome Hing type; Burn-McKeown Syndrome (BMKS); Burn-McKeown syndrome. Identifiers: Orphanet 1200, MedGen C1837822, MONDO:0012064, OMIM 608572.

Submission:

GeneReviews
Classification: Pathogenic for Choanal atresia-hearing loss-cardiac defects-craniofacial dysmorphism syndrome. Last evaluated: 2016-03-28. Review status: no assertion criteria provided. Collection method: literature only. Allele origin: germline. Affected: yes.
Comment: Putatively truncating. The breakpoints of the exon 3 deletion have not been determined precisely.

Literature cited by the submitters: PubMed 25434003.

NM_006701.2:c.Exon 3 deletion

Gene: TXNL4A (thioredoxin like 4A; minus strand). Cytogenetic location: 18q23.
Variant type: Deletion.
Identifiers: ClinVar variation 253189 (VCV000253189.1).